The following is an entry in ClinVar:

ClinVar aggregate classification (germline): Conflicting classifications of pathogenicity. Review status: criteria provided, conflicting classifications (1 of 4 stars). 8 submissions from 8 submitters: Uncertain significance (1); Likely benign (7). Last evaluated 2025-08-24.

Conditions:
Cardiovascular phenotype. Identifiers: MedGen CN230736.
Charcot-Marie-Tooth disease type 2. Also called: Charcot-Marie-Tooth type 2. Identifiers: Orphanet 64746, MedGen C0270914, MONDO:0018993.
Cardiomyopathy (CMYO). Also called: Cardiomyopathies. Identifiers: Orphanet 167848, MedGen C0878544, MONDO:0004994, HP:0001638. Inheritance: Various modes of inheritance.

Allele frequency attached by ClinVar (database versions not stated): gnomAD exomes 0.00002; TOPMed 0.00002; gnomAD 0.00003; ExAC 0.00011; ESP Exome Variant Server 0.00015.
gnomAD v4.1: 81 of 1,599,578 alleles (0.0051%); highest among the groups gnomAD compares: Non-Finnish European, 0.0068%; no homozygotes.

Submissions (8):

Labcorp Genetics (formerly Invitae), Labcorp
Classification: Likely benign for Charcot-Marie-Tooth disease type 2. Last evaluated: 2025-08-24. Review status: criteria provided, single submitter. Criteria: Invitae Variant Classification Sherloc (09022015). Collection method: clinical testing. Allele origin: germline.

Blueprint Genetics
Classification: Likely benign. Last evaluated: 2024-05-14. Review status: criteria provided, single submitter. Criteria: ACMG Guidelines, 2015. Collection method: clinical testing. Allele origin: germline.

Ambry Genetics
Classification: Likely benign for Cardiovascular phenotype. Last evaluated: 2024-01-30. Review status: criteria provided, single submitter. Criteria: Ambry Variant Classification Scheme 2023. Collection method: clinical testing. Allele origin: germline.

CeGaT Center for Human Genetics Tuebingen
Classification: Likely benign. Last evaluated: 2022-07-01. Review status: criteria provided, single submitter. Criteria: CeGaT Center For Human Genetics Tuebingen Variant Classification Criteria Version 2. Collection method: clinical testing. Allele origin: germline. Affected: yes. Observed: 1 variant allele.
Comment: LMNA: BP4, BP7

GeneDx
Classification: Likely benign. Last evaluated: 2019-04-02. Review status: criteria provided, single submitter. Criteria: GeneDx Variant Classification Process June 2021. Collection method: clinical testing. Allele origin: germline. Affected: yes.
Comment: This variant is associated with the following publications: (PMID: 22413764, 24846508)

Color Diagnostics, LLC DBA Color Health
Classification: Likely benign for Cardiomyopathy. Last evaluated: 2018-10-17. Review status: criteria provided, single submitter. Criteria: ACMG Guidelines, 2015. Collection method: clinical testing. Allele origin: germline.

Eurofins Ntd Llc (ga)
Classification: Uncertain significance. Last evaluated: 2015-10-23. Review status: criteria provided, single submitter. Criteria: EGL Classification Definitions 2015. Collection method: clinical testing. Allele origin: germline. Observed: 2 variant alleles, 2 heterozygotes.

Laboratory for Molecular Medicine, Mass General Brigham Personalized Medicine
Classification: Likely benign. Last evaluated: 2008-03-14. Review status: criteria provided, single submitter. Criteria: LMM Criteria. Collection method: clinical testing. Allele origin: germline. Observed: 1 variant allele.

NM_170707.4(LMNA):c.78C>T (p.Ile26=)

Genes: LMNA (lamin A/C; plus strand), LOC129931597 (ATAC-STARR-seq lymphoblastoid silent region 1421; plus strand). Cytogenetic location: 1q22.
Variant type: single nucleotide variant.
Coding change: c.78C>T on transcript NM_170707.4 (MANE Select); coding-DNA position 78, C replaced by T.
Protein change: p.Ile26=; no amino-acid change (isoleucine 26 retained).
Molecular consequence: synonymous variant.
Genome position (GRCh38, 1-based): chr1:156,114,996, C>T. VCF-style: chr1-156114996-C-T. GRCh37 (hg19) VCF-style: chr1-156084787-C-T.
Other names: p.I26I:ATC>ATT; c.78C>T, p.Ile26= (NM_001282625.2, NM_001282626.2, NM_005572.4 and 1 more transcripts).
Identifiers: ClinVar variation 48083 (VCV000048083.57), dbSNP rs373721390, ClinGen allele CA018652.